The following is an entry in ClinVar:

ClinVar aggregate classification (germline): Pathogenic/Likely pathogenic. Review status: criteria provided, multiple submitters, no conflicts (2 of 4 stars). 5 submissions from 5 submitters: Pathogenic (3); Likely pathogenic (2). Last evaluated 2024-05-29.

Conditions:
Hereditary cancer-predisposing syndrome. Also called: Tumor predisposition; Hereditary neoplastic syndrome; Neoplastic Syndromes, Hereditary; Hereditary Cancer Syndrome. Identifiers: Orphanet 140162, MedGen C0027672, MeSH D009386, MONDO:0015356.
Lynch syndrome. Identifiers: Orphanet 144, MedGen C4552100, MONDO:0005835. Disease mechanism: loss of function.
Lynch syndrome 4 (LYNCH4). Also called: Colorectal cancer, hereditary nonpolyposis, type 4; Hereditary non-polyposis colorectal cancer, type 4. Identifiers: Orphanet 144, MedGen C1838333, MONDO:0013699, OMIM 614337. Disease mechanism: loss of function.
Hereditary nonpolyposis colorectal neoplasms. Identifiers: MedGen C0009405, MeSH D003123.

Submissions (5):

Myriad Genetics, Inc.
Classification: Pathogenic for Lynch syndrome 4. Last evaluated: 2024-05-29. Review status: criteria provided, single submitter. Criteria: Myriad Autosomal Dominant, Autosomal Recessive and X-Linked Classification Criteria (2023). Collection method: clinical testing. Allele origin: unknown.
Comment: This variant is considered pathogenic. This variant creates a frameshift predicted to result in premature protein truncation.

Labcorp Genetics (formerly Invitae), Labcorp
Classification: Pathogenic for Hereditary nonpolyposis colorectal neoplasms. Last evaluated: 2022-03-05. Review status: criteria provided, single submitter. Criteria: Invitae Variant Classification Sherloc (09022015). Collection method: clinical testing. Allele origin: germline.
Comment: For these reasons, this variant has been classified as Pathogenic. This sequence change creates a premature translational stop signal (p.Ser248Valfs*10) in the PMS2 gene. It is expected to result in an absent or disrupted protein product. Loss-of-function variants in PMS2 are known to be pathogenic (PMID: 21376568, 24362816). This variant is not present in population databases (gnomAD no frequency). This premature translational stop signal has been observed in individual(s) with clinical features of Lynch syndrome (PMID: 31992580). ClinVar contains an entry for this variant (Variation ID: 667013).

Ambry Genetics
Classification: Pathogenic for Hereditary cancer-predisposing syndrome. Last evaluated: 2018-09-30. Review status: criteria provided, single submitter. Criteria: Ambry Variant Classification Scheme 2023. Collection method: clinical testing. Allele origin: germline.
Comment: The c.741delT variant, located in coding exon 7 of the PMS2 gene, results from a deletion of one nucleotide at nucleotide position 741, causing a translational frameshift with a predicted alternate stop codon (p.S248Vfs*10). This alteration is expected to result in loss of function by premature protein truncation or nonsense-mediated mRNA decay. As such, this alteration is interpreted as a disease-causing mutation.

Laboratory for Molecular Medicine, Mass General Brigham Personalized Medicine
Classification: Likely pathogenic for Lynch syndrome. Last evaluated: 2018-03-15. Review status: criteria provided, single submitter. Criteria: LMM Criteria. Collection method: clinical testing. Allele origin: germline. Inheritance: Autosomal dominant inheritance. Observed: 2 variant alleles.
Comment: The p.Ser248fs variant in PMS2 has not been previously reported in individuals w ith Lynch syndrome or in large population studies, though the ability of these s tudies to accurately detect indels may be limited. This variant is predicted to cause a frameshift, which alters the protein?s amino acid sequence beginning at position 248 and leads to a premature termination codon 10 amino acids downstrea m. This alteration is then predicted to lead to a truncated or absent protein. H eterozygous loss of function of the PMS2 gene is an established disease mechanis m in individuals with Lynch syndrome. In summary, although additional studies ar e required to fully establish its clinical significance, the p.Ser248fs variant is likely pathogenic. ACMG/AMP criteria applied (Richards 2015): PVS1, PM2.

Juno Genomics, Hangzhou Juno Genomics, Inc
Classification: Likely pathogenic for Lynch syndrome 4. Review status: criteria provided, single submitter. Criteria: ACMG Guidelines, 2015. Collection method: clinical testing. Allele origin: germline. Affected: yes.
Comment: Absent from controls (or at extremely low frequency if recessive) in Genome Aggregation Database, Exome Sequencing Project, 1000 Genomes Project, or Exome Aggregation Consortium.;Null variant in a gene where loss of function (LOF) is a known mechanism of disease.

Literature cited by the submitters: PubMed 21376568 (cited by Labcorp Genetics (formerly Invitae), Labcorp); PubMed 24362816 (cited by Labcorp Genetics (formerly Invitae), Labcorp); PubMed 31992580 (cited by Labcorp Genetics (formerly Invitae), Labcorp).

NM_000535.7(PMS2):c.741del (p.Ser248fs)

Gene: PMS2 (PMS1 homolog 2, mismatch repair system component; minus strand). Cytogenetic location: 7p22.1.
Variant type: Deletion.
Coding change: c.741del on transcript NM_000535.7 (MANE Select); coding-DNA position 741, one base deleted (T; older notation c.741delT).
Protein change: p.Ser248fs; shifts the reading frame from serine 248.
Molecular consequence: frameshift variant. On other transcripts: 5 prime UTR variant (2), non-coding transcript variant (1).
Genome position (GRCh38, 1-based): chr7:5,997,388, A deleted on the plus strand (T on the coding strand, the reverse complement: PMS2 is on the minus strand). VCF-style (leftmost placement, unchanged base first): chr7-5997387-TA-T. GRCh37 (hg19) VCF-style: chr7-6037018-TA-T.
Other names: c.336del, p.Ser113fs (NM_001322003.2, NM_001322004.2, NM_001322005.2 and 2 more transcripts); c.741del, p.Ser248fs (NM_001322006.2, NM_001322014.2); c.423del, p.Ser142fs (NM_001322007.2, NM_001322008.2); c.-193del (NM_001322011.2, NM_001322012.2); c.168del, p.Ser57fs (NM_001322013.2); c.432del, p.Ser145fs (NM_001322015.2); short protein forms S57fs, S142fs, S248fs, S113fs, S145fs.
Identifiers: ClinVar variation 667013 (VCV000667013.15), dbSNP rs1583374709, ClinGen allele CA913188229.